The following is an entry in ClinVar:

NM_014141.6(CNTNAP2):c.2734G>A (p.Gly912Ser)

Gene: CNTNAP2 (contactin associated protein 2; plus strand). Cytogenetic location: 7q35.
Variant type: single nucleotide variant.
Coding change: c.2734G>A on transcript NM_014141.6 (MANE Select); coding-DNA position 2734, G replaced by A.
Protein change: p.Gly912Ser; replaces glycine 912 with serine.
Molecular consequence: missense variant.
Genome position (GRCh38, 1-based): chr7:148,147,670, G>A. VCF-style: chr7-148147670-G-A. GRCh37 (hg19) VCF-style: chr7-147844762-G-A.
Other names: short protein forms G912S.
Identifiers: ClinVar variation 837339 (VCV000837339.10), dbSNP rs1805215204, ClinGen allele CA369928202.

ClinVar aggregate classification (germline): Uncertain significance (1 of 4 stars; one submission).

Conditions:
Cortical dysplasia-focal epilepsy syndrome (PTHSL1). Also called: Pitt-Hopkins-like syndrome 1. Identifiers: Orphanet 163681, Orphanet 221150, MedGen C2750246, MONDO:0012400, OMIM 610042.

Submission:

Labcorp Genetics (formerly Invitae), Labcorp
Classification: Uncertain significance for Cortical dysplasia-focal epilepsy syndrome. Last evaluated: 2022-07-25. Review status: criteria provided, single submitter. Criteria: Invitae Variant Classification Sherloc (09022015). Collection method: clinical testing. Allele origin: germline.
Comment: ClinVar contains an entry for this variant (Variation ID: 837339). This sequence change replaces glycine, which is neutral and non-polar, with serine, which is neutral and polar, at codon 912 of the CNTNAP2 protein (p.Gly912Ser). This variant is not present in population databases (gnomAD no frequency). This variant has not been reported in the literature in individuals affected with CNTNAP2-related conditions. Algorithms developed to predict the effect of missense changes on protein structure and function (SIFT, PolyPhen-2, Align-GVGD) all suggest that this variant is likely to be disruptive. In summary, the available evidence is currently insufficient to determine the role of this variant in disease. Therefore, it has been classified as a Variant of Uncertain Significance.